The following is an entry in ClinVar:

ClinVar aggregate classification (germline): Pathogenic. Review status: criteria provided, multiple submitters, no conflicts (2 of 4 stars). 3 submissions from 3 submitters: Pathogenic (2). 1 of the submissions does not count toward it. Last evaluated 2024-10-30.

Conditions:
Tuberous sclerosis syndrome (TSC). Also called: Tuberous Sclerosis Complex; Tuberous sclerosis. Identifiers: Orphanet 805, MedGen C0041341, MONDO:0001734.
Tuberous sclerosis 2 (TSC2). Identifiers: Orphanet 805, MedGen C1860707, MONDO:0013199, OMIM 613254.

Submissions (3):

Labcorp Genetics (formerly Invitae), Labcorp
Classification: Pathogenic for Tuberous sclerosis 2. Last evaluated: 2024-10-30. Review status: criteria provided, single submitter. Criteria: Invitae Variant Classification Sherloc (09022015). Collection method: clinical testing. Allele origin: germline.
Comment: This sequence change creates a premature translational stop signal (p.Trp1740*) in the TSC2 gene. While this is not anticipated to result in nonsense mediated decay, it is expected to disrupt the last 68 amino acid(s) of the TSC2 protein. This variant is not present in population databases (gnomAD no frequency). This premature translational stop signal has been observed in individual(s) with clinical features of tuberous sclerosis complex (PMID: 12136241, 31856217). ClinVar contains an entry for this variant (Variation ID: 49362). This variant disrupts a region of the TSC2 protein in which other variant(s) (p.Arg1745Glnfs*27) have been determined to be pathogenic (internal data). This suggests that this is a clinically significant region of the protein, and that variants that disrupt it are likely to be disease-causing. For these reasons, this variant has been classified as Pathogenic.

GeneDx
Classification: Pathogenic. Last evaluated: 2016-04-19. Review status: criteria provided, single submitter. Criteria: GeneDx Variant Classification (06012015). Collection method: clinical testing. Allele origin: germline. Affected: yes.
Comment: The W1740X nonsense variant in the TSC2 gene has been reported previously in association with tuberous sclerosis complex (TSC) (TSC2 LOVD). Additionally, a different nucleotide substitution, c.5220 G>A, resulting in the same nonsense variant has also been reported in association with TSC (Roberts et al., 2002). The W1740X variant is predicted to cause loss of normal protein function through protein truncation as the last 68 amino acids of the tuberin protein are lost. Therefore, the presence of W1740X is consistent with a diagnosis of TSC

Tuberous sclerosis database (TSC2)
No classification provided. Condition: TSC. Review status: no classification provided. Criteria: Tuberous Sclerosis Database Assertion Criteria 2015. Collection method: curation. Allele origin: germline. Affected: yes. Not counted in ClinVar's aggregate classification.

Literature cited by the submitters: PubMed 12136241 (cited by Labcorp Genetics (formerly Invitae), Labcorp); PubMed 31856217 (cited by Labcorp Genetics (formerly Invitae), Labcorp).

NM_000548.5(TSC2):c.5219G>A (p.Trp1740Ter)

Gene: TSC2 (TSC complex subunit 2; plus strand). Cytogenetic location: 16p13.3.
Variant type: single nucleotide variant.
Coding change: c.5219G>A on transcript NM_000548.5 (MANE Select); coding-DNA position 5219, G replaced by A.
Protein change: p.Trp1740Ter; replaces tryptophan 1740 with a stop codon.
Molecular consequence: nonsense.
Genome position (GRCh38, 1-based): chr16:2,088,285, G>A. VCF-style: chr16-2088285-G-A. GRCh37 (hg19) VCF-style: chr16-2138286-G-A.
Other names: c.5018G>A, p.Trp1673Ter (NM_001077183.3); c.5150G>A, p.Trp1717Ter (NM_001114382.3); c.4910G>A, p.Trp1637Ter (NM_001318827.2); c.4874G>A, p.Trp1625Ter (NM_001318829.2); c.4487G>A, p.Trp1496Ter (NM_001318831.2); c.5051G>A, p.Trp1684Ter (NM_001318832.2); c.5021G>A, p.Trp1674Ter (NM_001363528.2); c.5087G>A, p.Trp1696Ter (NM_001370404.1); and 2 more; short protein forms W1740*, W1684*, W1717*, W1674*, W1496*, W1673*, W1696*, W1625*.
Identifiers: ClinVar variation 49362 (VCV000049362.10), dbSNP rs137854219, ClinGen allele CA022169.